The following is an entry in ClinVar:

NM_005866.4(SIGMAR1):c.524G>A (p.Arg175Gln)

Gene: SIGMAR1 (sigma receptor chaperone 1; minus strand). Cytogenetic location: 9p13.3.
Variant type: single nucleotide variant.
Coding change: c.524G>A on transcript NM_005866.4 (MANE Select); coding-DNA position 524, G replaced by A.
Protein change: p.Arg175Gln; replaces arginine 175 with glutamine.
Molecular consequence: missense variant. On other transcripts: 3 prime UTR variant (2), non-coding transcript variant (1), intron variant (1).
Genome position (GRCh38, 1-based): chr9:34,635,780, C>T on the plus strand (G>A on the coding strand, the complement: SIGMAR1 is on the minus strand). VCF-style: chr9-34635780-C-T. GRCh37 (hg19) VCF-style: chr9-34635777-C-T.
Other names: c.224G>A, p.Arg75Gln (NM_001282206.2); c.464G>A, p.Arg155Gln (NM_001282207.2); c.*67G>A (NM_001282208.2); c.*51G>A (NM_001282209.2); c.431G>A, p.Arg144Gln (NM_147157.3); c.446-140G>A (NM_001282205.2); c.524G>A (NM_005866.2); short protein forms R155Q, R75Q, R144Q, R175Q.
Identifiers: ClinVar variation 2139444 (VCV002139444.5), dbSNP rs376256711, ClinGen allele CA192661219.

ClinVar aggregate classification (germline): Uncertain significance. Review status: criteria provided, multiple submitters, no conflicts (2 of 4 stars). 2 submissions from 2 submitters: Uncertain significance (2). Last evaluated 2025-08-07.

Conditions:
Inborn genetic diseases. Identifiers: MedGen C0950123, MeSH D030342.
Autosomal recessive distal spinal muscular atrophy 2. Also called: NEUROPATHY, DISTAL HEREDITARY MOTOR, AUTOSOMAL RECESSIVE 2; NEURONOPATHY, DISTAL HEREDITARY MOTOR, JERASH TYPE; NEUROPATHY, DISTAL HEREDITARY MOTOR, JERASH TYPE; SPINAL MUSCULAR ATROPHY, JERASH TYPE; Hereditary motor neuropathy, Jerash type; Motor neuropathy, distal, Jerash type. Identifiers: Orphanet 139552, MedGen C1854023, MONDO:0011585, OMIM 605726.
Amyotrophic lateral sclerosis type 16. Also called: AMYOTROPHIC LATERAL SCLEROSIS 16, JUVENILE. Identifiers: Orphanet 300605, MedGen C3280587, MONDO:0013715, OMIM 614373.

Allele frequency attached by ClinVar (database versions not stated): gnomAD exomes below 0.00001; TOPMed 0.00002; ESP Exome Variant Server 0.00008.
gnomAD v4.1: 5 of 1,614,210 alleles (0.00031%); highest among the groups gnomAD compares: Non-Finnish European, 0.00034%; no homozygotes.

Submissions (2):

Ambry Genetics
Classification: Uncertain significance for Inborn genetic diseases. Last evaluated: 2025-08-07. Review status: criteria provided, single submitter. Criteria: Ambry Variant Classification Scheme 2023. Collection method: clinical testing. Allele origin: germline.

Labcorp Genetics (formerly Invitae), Labcorp
Classification: Uncertain significance for Autosomal recessive distal spinal muscular atrophy 2; Amyotrophic lateral sclerosis type 16. Last evaluated: 2022-04-01. Review status: criteria provided, single submitter. Criteria: Invitae Variant Classification Sherloc (09022015). Collection method: clinical testing. Allele origin: germline.
Comment: In summary, the available evidence is currently insufficient to determine the role of this variant in disease. Therefore, it has been classified as a Variant of Uncertain Significance. Algorithms developed to predict the effect of missense changes on protein structure and function are either unavailable or do not agree on the potential impact of this missense change (SIFT: "Tolerated"; PolyPhen-2: "Possibly Damaging"; Align-GVGD: "Class C0"). This variant has not been reported in the literature in individuals affected with SIGMAR1-related conditions. This variant is present in population databases (rs376256711, gnomAD 0.003%). This sequence change replaces arginine, which is basic and polar, with glutamine, which is neutral and polar, at codon 175 of the SIGMAR1 protein (p.Arg175Gln).